The following is an entry in ClinVar:

NM_001127222.2(CACNA1A):c.4152G>C (p.Met1384Ile)

Genes: CACNA1A (calcium voltage-gated channel subunit alpha1 A; minus strand), LOC126862864 (MED14-independent group 3 enhancer GRCh37_chr19:13371552-13372751; plus strand). Cytogenetic location: 19p13.13.
Variant type: single nucleotide variant.
Coding change: c.4152G>C on transcript NM_001127222.2 (MANE Select); coding-DNA position 4152, G replaced by C.
Protein change: p.Met1384Ile; replaces methionine 1384 with isoleucine.
Molecular consequence: missense variant.
Genome position (GRCh38, 1-based): chr19:13,261,548, C>G on the plus strand (G>C on the coding strand, the complement: CACNA1A is on the minus strand). VCF-style: chr19-13261548-C-G. GRCh37 (hg19) VCF-style: chr19-13372362-C-G.
Other names: c.4164G>C, p.Met1388Ile (NM_000068.4, NM_023035.3); c.4155G>C, p.Met1385Ile (NM_001127221.2, NM_001174080.2); short protein forms M1384I, M1385I, M1388I.
Identifiers: ClinVar variation 2443646 (VCV002443646.4), dbSNP rs1315002165, ClinGen allele CA404339754.

ClinVar aggregate classification (germline): Uncertain significance (1 of 4 stars; one submission).

Submission:

GeneDx
Classification: Uncertain significance. Last evaluated: 2025-06-26. Review status: criteria provided, single submitter. Criteria: GeneDx Variant Classification Process June 2021. Collection method: clinical testing. Allele origin: germline. Affected: yes.
Comment: Not observed at significant frequency in large population cohorts (gnomAD); In silico analysis supports that this missense variant has a deleterious effect on protein structure/function; Has not been previously published as pathogenic or benign to our knowledge